The following is an entry in ClinVar:

ClinVar aggregate classification (germline): Likely pathogenic (1 of 4 stars; one submission).

Submission:

Labcorp Genetics (formerly Invitae), Labcorp
Classification: Likely pathogenic. Last evaluated: 2024-11-05. Review status: criteria provided, single submitter. Criteria: Invitae Variant Classification Sherloc (09022015). Collection method: clinical testing. Allele origin: germline.
Comment: This sequence change affects an acceptor splice site in intron 9 of the CLCN5 gene. It is expected to disrupt RNA splicing. Variants that disrupt the donor or acceptor splice site typically lead to a loss of protein function (PMID: 16199547), and loss-of-function variants in CLCN5 are known to be pathogenic (PMID: 22876375, 25907713). This variant is not present in population databases (gnomAD no frequency). Disruption of this splice site has been observed in individual(s) with Dent disease (PMID: 24912603, 25907713). Algorithms developed to predict the effect of sequence changes on RNA splicing suggest that this variant may disrupt the consensus splice site. In summary, the currently available evidence indicates that the variant is pathogenic, but additional data are needed to prove that conclusively. Therefore, this variant has been classified as Likely Pathogenic.

Literature cited by the submitters: PubMed 16199547; PubMed 22876375; PubMed 25907713; PubMed 24912603.

NM_001127898.4(CLCN5):c.1745-1G>A

Genes: CLCN5 (chloride voltage-gated channel 5; plus strand), LOC126863258 (BRD4-independent group 4 enhancer GRCh37_chrX:49854497-49855696; plus strand). Cytogenetic location: Xp11.23.
Variant type: single nucleotide variant.
Coding change: c.1745-1G>A on transcript NM_001127898.4 (MANE Select); the canonical splice acceptor site of the intron before coding-DNA position 1745, G replaced by A.
Molecular consequence: splice acceptor variant.
Genome position (GRCh38, 1-based): chrX:50,090,115, G>A. VCF-style: chrX-50090115-G-A. GRCh37 (hg19) VCF-style: chrX-49854772-G-A.
Other names: c.1745-1G>A (NM_001127899.4); c.1535-1G>A (NM_000084.5); c.1595-1G>A (NM_001282163.2).
Identifiers: ClinVar variation 3653942 (VCV003653942.2).